The following is an entry in ClinVar:

NM_198578.4(LRRK2):c.3490T>A (p.Phe1164Ile)

Gene: LRRK2 (leucine rich repeat kinase 2; plus strand). Cytogenetic location: 12q12.
Variant type: single nucleotide variant.
Coding change: c.3490T>A on transcript NM_198578.4 (MANE Select); coding-DNA position 3490, T replaced by A.
Protein change: p.Phe1164Ile; replaces phenylalanine 1164 with isoleucine.
Molecular consequence: missense variant.
Genome position (GRCh38, 1-based): chr12:40,299,251, T>A. VCF-style: chr12-40299251-T-A. GRCh37 (hg19) VCF-style: chr12-40693053-T-A.
Other names: short protein forms F1164I.
Identifiers: ClinVar variation 3540761 (VCV003540761.1).

ClinVar aggregate classification (germline): Uncertain significance (1 of 4 stars; one submission).

Conditions:
Inborn genetic diseases. Identifiers: MedGen C0950123, MeSH D030342.

Submission:

Ambry Genetics
Classification: Uncertain significance for Inborn genetic diseases. Last evaluated: 2024-10-31. Review status: criteria provided, single submitter. Criteria: Ambry Variant Classification Scheme 2023. Collection method: clinical testing. Allele origin: germline.
Comment: The p.F1164I variant (also known as c.3490T>A), located in coding exon 25 of the LRRK2 gene, results from a T to A substitution at nucleotide position 3490. The phenylalanine at codon 1164 is replaced by isoleucine, an amino acid with highly similar properties. This amino acid position is conserved. In addition, this alteration is predicted to be tolerated by in silico analysis. Based on the available evidence, the clinical significance of this variant remains unclear.